The following is an entry in ClinVar:

ClinVar aggregate classification (germline): Uncertain significance (1 of 4 stars; one submission).

Allele frequency attached by ClinVar (database versions not stated): ExAC 0.00003; ESP Exome Variant Server 0.00015.
gnomAD v4.1: 7 of 1,613,286 alleles (0.00043%); highest among the groups gnomAD compares: African/African-American, 0.0053%; no homozygotes.

Submission:

Labcorp Genetics (formerly Invitae), Labcorp
Classification: Uncertain significance. Last evaluated: 2023-07-14. Review status: criteria provided, single submitter. Criteria: Invitae Variant Classification Sherloc (09022015). Collection method: clinical testing. Allele origin: germline.
Comment: In summary, the available evidence is currently insufficient to determine the role of this variant in disease. Therefore, it has been classified as a Variant of Uncertain Significance. Algorithms developed to predict the effect of missense changes on protein structure and function output the following: SIFT: "Not Available"; PolyPhen-2: "Benign"; Align-GVGD: "Not Available". The asparagine amino acid residue is found in multiple mammalian species, which suggests that this missense change does not adversely affect protein function. ClinVar contains an entry for this variant (Variation ID: 1908299). This variant has not been reported in the literature in individuals affected with IMPG1-related conditions. This variant is present in population databases (rs137915302, gnomAD 0.008%). This sequence change replaces aspartic acid, which is acidic and polar, with asparagine, which is neutral and polar, at codon 62 of the IMPG1 protein (p.Asp62Asn).

NM_001563.4(IMPG1):c.184G>A (p.Asp62Asn)

Gene: IMPG1 (interphotoreceptor matrix proteoglycan 1; minus strand). Cytogenetic location: 6q14.1.
Variant type: single nucleotide variant.
Coding change: c.184G>A on transcript NM_001563.4 (MANE Select); coding-DNA position 184, G replaced by A.
Protein change: p.Asp62Asn; replaces aspartic acid 62 with asparagine.
Molecular consequence: missense variant. On other transcripts: intron variant (1).
Genome position (GRCh38, 1-based): chr6:76,042,010, C>T on the plus strand (G>A on the coding strand, the complement: IMPG1 is on the minus strand). VCF-style: chr6-76042010-C-T. GRCh37 (hg19) VCF-style: chr6-76751727-C-T.
Other names: c.68-7223G>A (NM_001282368.2); short protein forms D62N.
Identifiers: ClinVar variation 1908299 (VCV001908299.5), dbSNP rs137915302, ClinGen allele CA3898621.